The following is an entry in ClinVar:

ClinVar aggregate classification (germline): Uncertain significance. Review status: criteria provided, multiple submitters, no conflicts (2 of 4 stars). 2 submissions from 2 submitters: Uncertain significance (2). Last evaluated 2025-01-27.

Conditions:
Inborn genetic diseases. Identifiers: MedGen C0950123, MeSH D030342.

Allele frequency attached by ClinVar (database versions not stated): gnomAD 0.00002; TOPMed 0.00003; ExAC 0.00004; gnomAD exomes 0.00004; ESP Exome Variant Server 0.00008.
gnomAD v4.1: 66 of 1,613,990 alleles (0.0041%); highest among the groups gnomAD compares: Admixed American, 0.01%; no homozygotes.

Submissions (2):

Ambry Genetics
Classification: Uncertain significance for Inborn genetic diseases. Last evaluated: 2025-01-27. Review status: criteria provided, single submitter. Criteria: Ambry Variant Classification Scheme 2023. Collection method: clinical testing. Allele origin: germline.

Labcorp Genetics (formerly Invitae), Labcorp
Classification: Uncertain significance. Last evaluated: 2022-06-24. Review status: criteria provided, single submitter. Criteria: Invitae Variant Classification Sherloc (09022015). Collection method: clinical testing. Allele origin: germline.
Comment: This sequence change replaces glutamic acid, which is acidic and polar, with lysine, which is basic and polar, at codon 56 of the PROSC protein (p.Glu56Lys). This variant is present in population databases (rs376512693, gnomAD 0.01%). This variant has not been reported in the literature in individuals affected with PROSC-related conditions. Algorithms developed to predict the effect of missense changes on protein structure and function (SIFT, PolyPhen-2, Align-GVGD) all suggest that this variant is likely to be tolerated. In summary, the available evidence is currently insufficient to determine the role of this variant in disease. Therefore, it has been classified as a Variant of Uncertain Significance.

NM_007198.4(PLPBP):c.166G>A (p.Glu56Lys)

Gene: PLPBP (pyridoxal phosphate binding protein; plus strand). Cytogenetic location: 8p11.23.
Variant type: single nucleotide variant.
Coding change: c.166G>A on transcript NM_007198.4 (MANE Select); coding-DNA position 166, G replaced by A.
Protein change: p.Glu56Lys; replaces glutamic acid 56 with lysine.
Molecular consequence: missense variant.
Genome position (GRCh38, 1-based): chr8:37,765,592, G>A. VCF-style: chr8-37765592-G-A. GRCh37 (hg19) VCF-style: chr8-37623110-G-A.
Other names: c.166G>A, p.Glu56Lys (NM_001349346.2, NM_001349347.2); c.10G>A, p.Glu4Lys (NM_001349348.2); c.271G>A, p.Glu91Lys (NM_001349349.1); c.166G>A (NM_007198.3); short protein forms E4K, E56K, E91K.
Identifiers: ClinVar variation 1901999 (VCV001901999.5), dbSNP rs376512693, ClinGen allele CA4711146.